The following is an entry in ClinVar:

NM_002471.4(MYH6):c.1408G>T (p.Asp470Tyr)

Gene: MYH6 (myosin heavy chain 6; minus strand). Cytogenetic location: 14q11.2.
Variant type: single nucleotide variant.
Coding change: c.1408G>T on transcript NM_002471.4 (MANE Select); coding-DNA position 1408, G replaced by T.
Protein change: p.Asp470Tyr; replaces aspartic acid 470 with tyrosine.
Molecular consequence: missense variant.
Genome position (GRCh38, 1-based): chr14:23,400,711, C>A on the plus strand (G>T on the coding strand, the complement: MYH6 is on the minus strand). VCF-style: chr14-23400711-C-A. GRCh37 (hg19) VCF-style: chr14-23869920-C-A.
Other names: short protein forms D470Y.
Identifiers: ClinVar variation 652993 (VCV000652993.14), dbSNP rs777651128, ClinGen allele CA7115823.
Genomic context (GRCh38, chr14:23,400,711, plus strand): 5'-TGTTGAATGTAGGAGCAAGCGAGTGATTGTTCTCCCACTCCCAGGGGTCCCAACTCACGT[C>A]GAAGATCTCGAAGCCAGCGATGTCCAGGACTCCTATGAAGTACTGGCGTGGCTGCTTGGT-3'
Protein context (NP_002462.2, residues 460-480): VLDIAGFEIF[Asp470Tyr]FNSFEQLCIN

ClinVar aggregate classification (germline): Uncertain significance. Review status: criteria provided, multiple submitters, no conflicts (2 of 4 stars). 4 submissions from 4 submitters: Uncertain significance (4). Last evaluated 2025-05-19.

Conditions:
Cardiovascular phenotype. Identifiers: MedGen CN230736.
Hypertrophic cardiomyopathy 14. Identifiers: MedGen C2750467, MONDO:0013197, OMIM 613251.
Dilated cardiomyopathy 1EE (CMD1EE). Identifiers: Orphanet 154, MedGen C2750466, MONDO:0013198, OMIM 613252.

Allele frequency attached by ClinVar (database versions not stated): gnomAD 0.00001.
gnomAD v4.1: 13 of 1,614,108 alleles (0.00081%); highest among the groups gnomAD compares: Non-Finnish European, 0.001%; no homozygotes.

Submissions (4):

Labcorp Genetics (formerly Invitae), Labcorp
Classification: Uncertain significance for Hypertrophic cardiomyopathy 14. Last evaluated: 2025-05-19. Review status: criteria provided, single submitter. Criteria: Invitae Variant Classification Sherloc (09022015). Collection method: clinical testing. Allele origin: germline.
Comment: This sequence change replaces aspartic acid, which is acidic and polar, with tyrosine, which is neutral and polar, at codon 470 of the MYH6 protein (p.Asp470Tyr). This variant is present in population databases (rs777651128, gnomAD 0.003%). This missense change has been observed in individual(s) with clinical features of MYH6-related conditions (PMID: 33131162). ClinVar contains an entry for this variant (Variation ID: 652993). An algorithm developed to predict the effect of missense changes on protein structure and function (PolyPhen-2) suggests that this variant is likely to be disruptive. In summary, the available evidence is currently insufficient to determine the role of this variant in disease. Therefore, it has been classified as a Variant of Uncertain Significance.

3billion
Classification: Uncertain significance for Dilated cardiomyopathy 1EE. Last evaluated: 2024-09-09. Review status: criteria provided, single submitter. Criteria: ACMG Guidelines, 2015. Collection method: clinical testing. Allele origin: germline. Affected: yes.
Comment: The variant is observed at an extremely low frequency in the gnomAD v4.0.0 dataset (total allele frequency: <0.001%). Predicted Consequence/Location: Missense variant In silico tool predictions suggest damaging effect of the variant on gene or gene product [REVEL: 0.72 (>=0.6, sensitivity 0.68 and specificity 0.92); 3Cnet: 0.82 (>=0.6, sensitivity 0.72 and precision 0.9)]. The same nucleotide change resulting in the same amino acid change has been previously reported to be associated with MYH6 related disorder (PMID: 33131162). However, the evidence of pathogenicity is insufficient at this time. Therefore, this variant is classified as VUS according to the recommendation of ACMG/AMP guideline.

Clinical Genetics Laboratory, Skane University Hospital Lund
Classification: Uncertain significance. Last evaluated: 2023-04-11. Review status: criteria provided, single submitter. Criteria: ACMG Guidelines, 2015. Collection method: clinical testing. Allele origin: germline. Affected: yes.

Ambry Genetics
Classification: Uncertain significance for Cardiovascular phenotype. Last evaluated: 2022-03-28. Review status: criteria provided, single submitter. Criteria: Ambry Variant Classification Scheme 2023. Collection method: clinical testing. Allele origin: germline.
Comment: The p.D470Y variant (also known as c.1408G>T), located in coding exon 11 of the MYH6 gene, results from a G to T substitution at nucleotide position 1408. The aspartic acid at codon 470 is replaced by tyrosine, an amino acid with highly dissimilar properties. This variant has been detected in the homozygous state in two fetuses with complex congenital heart defects from one family. One fetus had ventricular septal defect, tricuspid atresia, and hypoplastic right ventricle and the other had aortic stenosis and hypoplasia considered suggestive of hypoplastic left heart syndrome. The heterozygous parents were reportedly unaffected (Liu H et al. Hum Mutat, 2020 12;41:2167-2178). This amino acid position is highly conserved in available vertebrate species. In addition, this alteration is predicted to be deleterious by in silico analysis. Since supporting evidence is limited at this time, the clinical significance of this alteration remains unclear.

Literature cited by the submitters: PubMed 33131162 (cited by 3 submitters).